The following is an entry in ClinVar:

NM_001754.5(RUNX1):c.262G>C (p.Glu88Gln)

Gene: RUNX1 (RUNX family transcription factor 1; minus strand). Cytogenetic location: 21q22.12.
Variant type: single nucleotide variant.
Coding change: c.262G>C on transcript NM_001754.5 (MANE Select); coding-DNA position 262, G replaced by C.
Protein change: p.Glu88Gln; replaces glutamic acid 88 with glutamine.
Molecular consequence: missense variant.
Genome position (GRCh38, 1-based): chr21:34,886,932, C>G on the plus strand (G>C on the coding strand, the complement: RUNX1 is on the minus strand). VCF-style: chr21-34886932-C-G. GRCh37 (hg19) VCF-style: chr21-36259229-C-G.
Other names: NM_001754.5(RUNX1):c.262G>C; p.Glu88Gln; c.181G>C, p.Glu61Gln (NM_001001890.3, NM_001122607.2); short protein forms E61Q, E88Q.
Identifiers: ClinVar variation 658039 (VCV000658039.10), dbSNP rs1235407698, ClinGen allele CA410203767.
Genomic context (GRCh38, chr21:34,886,932, plus strand): 5'-AGCGCCAGTGCGTAGGCAGCACGGAGCAGAGGAAGTTGGGGCTGTCGGTGCGCACCAGCT[C>G]GCCCGGGTGGTCGGCCAGCACCTCCACCATGCTGCGGTCGCCGCTCCTCAGCTTGCCGGC-3'
Protein context (NP_001745.2, residues 78-98): MVEVLADHPG[Glu88Gln]LVRTDSPNFL

ClinVar aggregate classification (germline): Uncertain significance. Review status: reviewed by expert panel (3 of 4 stars). 3 submissions from 3 submitters: Uncertain significance (1). 2 of the submissions do not count toward it. Last evaluated 2024-10-29.

Conditions:
Hereditary thrombocytopenia and hematologic cancer predisposition syndrome. Identifiers: Orphanet 71290, MedGen CN281654, MONDO:0011071.
Hereditary thrombocytopenia and hematological cancer predisposition syndrome associated with RUNX1. Also called: Familial Platelet Disorder with Propensity to Acute Myelogenous Leukemia; Familial thrombocytopenia with propensity to acute myelogenous leukemia; RUNX1 Familial Platelet Disorder with Associated Myeloid Malignancies; PLATELET DISORDER, ASPIRIN-LIKE. Identifiers: Orphanet 71290, MedGen C1832388, MeSH C563324, MONDO:0100083, OMIM 601399.
Inborn genetic diseases. Identifiers: MedGen C0950123, MeSH D030342.

Submissions (3):

ClinGen Myeloid Malignancy Variant Curation Expert Panel
Classification: Uncertain significance for Hereditary thrombocytopenia and hematologic cancer predisposition syndrome. Last evaluated: 2024-10-29. Review status: reviewed by expert panel. Criteria: ClinGen MyeloMalig ACMG Specifications v2. Collection method: curation. Allele origin: germline. Inheritance: Autosomal dominant inheritance.
Comment: NM_001754.5(RUNX1):c.262G>C (p.Glu88Gln) is a missense variant which has a REVEL score ≥ 0.88 (0.921) (PP3). This variant is completely absent from all population databases with at least 20x coverage for RUNX1 (PM2_Supporting). In summary, the clinical significance of this variant is uncertain. ACMG/AMP criteria applied, as specified by the Myeloid Malignancy Variant Curation Expert Panel for RUNX1: BP4, PM2_supporting.

Ambry Genetics
Classification: Uncertain significance for Inborn genetic diseases. Last evaluated: 2024-12-08. Review status: criteria provided, single submitter. Criteria: Ambry Variant Classification Scheme 2023. Collection method: clinical testing. Allele origin: germline. Not counted in ClinVar's aggregate classification.
Comment: The p.E88Q variant (also known as c.262G>C), located in coding exon 3 of the RUNX1 gene, results from a G to C substitution at nucleotide position 262. The glutamic acid at codon 88 is replaced by glutamine, an amino acid with highly similar properties. This amino acid position is conserved. In addition, this alteration is predicted to be deleterious by in silico analysis. Based on the available evidence, the clinical significance of this variant remains unclear.

Labcorp Genetics (formerly Invitae), Labcorp
Classification: Uncertain significance for Hereditary thrombocytopenia and hematological cancer predisposition syndrome associated with RUNX1. Last evaluated: 2023-08-30. Review status: criteria provided, single submitter. Criteria: Invitae Variant Classification Sherloc (09022015). Collection method: clinical testing. Allele origin: germline. Not counted in ClinVar's aggregate classification.
Comment: This sequence change replaces glutamic acid, which is acidic and polar, with glutamine, which is neutral and polar, at codon 88 of the RUNX1 protein (p.Glu88Gln). This variant is not present in population databases (gnomAD no frequency). In summary, the available evidence is currently insufficient to determine the role of this variant in disease. Therefore, it has been classified as a Variant of Uncertain Significance. Advanced modeling of protein sequence and biophysical properties (such as structural, functional, and spatial information, amino acid conservation, physicochemical variation, residue mobility, and thermodynamic stability) has been performed at Invitae for this missense variant, however the output from this modeling did not meet the statistical confidence thresholds required to predict the impact of this variant on RUNX1 protein function. ClinVar contains an entry for this variant (Variation ID: 658039). This variant has not been reported in the literature in individuals affected with RUNX1-related conditions.